The following is an entry in ClinVar:

NM_001204.7(BMPR2):c.1591C>G (p.Leu531Val)

Gene: BMPR2 (bone morphogenetic protein receptor type 2; plus strand). Cytogenetic location: 2q33.2.
Variant type: single nucleotide variant.
Coding change: c.1591C>G on transcript NM_001204.7 (MANE Select); coding-DNA position 1591, C replaced by G.
Protein change: p.Leu531Val; replaces leucine 531 with valine.
Molecular consequence: missense variant.
Genome position (GRCh38, 1-based): chr2:202,555,256, C>G. VCF-style: chr2-202555256-C-G. GRCh37 (hg19) VCF-style: chr2-203419979-C-G.
Other names: short protein forms L531V.
Identifiers: ClinVar variation 3481314 (VCV003481314.1).

ClinVar aggregate classification (germline): Uncertain significance (1 of 4 stars; one submission).

Conditions:
Inborn genetic diseases. Identifiers: MedGen C0950123, MeSH D030342.

gnomAD v4.1: 9 of 1,613,792 alleles (0.00056%); highest among the groups gnomAD compares: Non-Finnish European, 0.00068%; no homozygotes.

Submission:

Ambry Genetics
Classification: Uncertain significance for Inborn genetic diseases. Last evaluated: 2024-11-28. Review status: criteria provided, single submitter. Criteria: Ambry Variant Classification Scheme 2023. Collection method: clinical testing. Allele origin: germline.
Comment: The p.L531V variant (also known as c.1591C>G), located in coding exon 12 of the BMPR2 gene, results from a C to G substitution at nucleotide position 1591. The leucine at codon 531 is replaced by valine, an amino acid with highly similar properties. This amino acid position is conserved. In addition, the in silico prediction for this alteration is inconclusive. Based on the available evidence, the clinical significance of this variant remains unclear.